The following is an entry in ClinVar:

NM_001165963.4(SCN1A):c.2247C>G (p.Asp749Glu)

Gene: SCN1A (sodium voltage-gated channel alpha subunit 1; minus strand). Cytogenetic location: 2q24.3.
Variant type: single nucleotide variant.
Coding change: c.2247C>G on transcript NM_001165963.4 (MANE Select); coding-DNA position 2247, C replaced by G.
Protein change: p.Asp749Glu; replaces aspartic acid 749 with glutamic acid.
Molecular consequence: missense variant. On other transcripts: 5 prime UTR variant (1), non-coding transcript variant (1).
Genome position (GRCh38, 1-based): chr2:166,041,399, G>C on the plus strand (C>G on the coding strand, the complement: SCN1A is on the minus strand). VCF-style: chr2-166041399-G-C. GRCh37 (hg19) VCF-style: chr2-166897909-G-C.
Other names: c.2163C>G, p.Asp721Glu (NM_001165964.3, NM_001353957.2, NM_001353958.2); c.2247C>G, p.Asp749Glu (NM_001202435.3, NM_001353948.2); c.2214C>G, p.Asp738Glu (NM_001353949.2, NM_001353950.2, NM_001353951.2 and 2 more transcripts); c.2211C>G, p.Asp737Glu (NM_001353954.2, NM_001353955.2); c.2160C>G, p.Asp720Glu (NM_001353960.2); c.-212C>G (NM_001353961.2); c.2247C>G (NM_001165963.1); short protein forms D720E, D749E, D738E, D721E, D737E.
Identifiers: ClinVar variation 1041021 (VCV001041021.10), dbSNP rs1697155906, ClinGen allele CA349064902.

ClinVar aggregate classification (germline): Uncertain significance. Review status: criteria provided, multiple submitters, no conflicts (2 of 4 stars). 2 submissions from 2 submitters: Uncertain significance (2). Last evaluated 2025-11-03.

Conditions:
Early-infantile DEE. Also called: Ohtahara syndrome; Early infantile epileptic encephalopathy with suppression bursts; Early infantile epileptic encephalopathy. Identifiers: Orphanet 1934, MedGen C0393706, MONDO:0800491.
Inborn genetic diseases. Identifiers: MedGen C0950123, MeSH D030342.

Allele frequency attached by ClinVar (database versions not stated): gnomAD exomes below 0.00001.
gnomAD v4.1: 5 of 1,612,952 alleles (0.00031%); highest among the groups gnomAD compares: Non-Finnish European, 0.00042%; no homozygotes.

Submissions (2):

Ambry Genetics
Classification: Uncertain significance for Inborn genetic diseases. Last evaluated: 2025-11-03. Review status: criteria provided, single submitter. Criteria: Ambry Variant Classification Scheme 2023. Collection method: clinical testing. Allele origin: germline.

Labcorp Genetics (formerly Invitae), Labcorp
Classification: Uncertain significance for Early-infantile DEE. Last evaluated: 2024-07-31. Review status: criteria provided, single submitter. Criteria: Invitae Variant Classification Sherloc (09022015). Collection method: clinical testing. Allele origin: germline.
Comment: This sequence change replaces aspartic acid, which is acidic and polar, with glutamic acid, which is acidic and polar, at codon 749 of the SCN1A protein (p.Asp749Glu). This variant is not present in population databases (gnomAD no frequency). This variant has not been reported in the literature in individuals affected with SCN1A-related conditions. ClinVar contains an entry for this variant (Variation ID: 1041021). Advanced modeling of protein sequence and biophysical properties (such as structural, functional, and spatial information, amino acid conservation, physicochemical variation, residue mobility, and thermodynamic stability) performed at Invitae indicates that this missense variant is not expected to disrupt SCN1A protein function with a negative predictive value of 95%. In summary, the available evidence is currently insufficient to determine the role of this variant in disease. Therefore, it has been classified as a Variant of Uncertain Significance.